The following is an entry in ClinVar:

ClinVar aggregate classification (germline): Uncertain significance (1 of 4 stars; one submission).

Conditions:
Deficiency of acetyl-CoA acetyltransferase. Also called: 3-KETOTHIOLASE DEFICIENCY; 3-OXOTHIOLASE DEFICIENCY; MITOCHONDRIAL ACETOACETYL-CoA THIOLASE DEFICIENCY; Beta-ketothiolase deficiency. Identifiers: Orphanet 134, MedGen C1536500, MONDO:0008760, OMIM 203750. Disease mechanism: loss of function.

Submission:

Myriad Genetics, Inc.
Classification: Uncertain significance for Deficiency of acetyl-CoA acetyltransferase. Last evaluated: 2026-03-09. Review status: criteria provided, single submitter. Criteria: Myriad Autosomal Dominant, Autosomal Recessive and X-Linked Classification Criteria (2023). Collection method: clinical testing. Allele origin: unknown.
Comment: NM_000019.3(ACAT1):c.508T>C(Y170H) is a missense variant classified as a variant of uncertain significance in the context of beta-ketothiolase deficiency. Y170H has been observed in a case with relevant disease (PMID: 39505524). Relevant functional assessments of this variant are available in the literature (PMID: 39505524). Y170H has not been observed in referenced population frequency databases. In summary, there is insufficient evidence to classify NM_000019.3(ACAT1):c.508T>C(Y170H) as pathogenic or benign. Please note: this variant was assessed in the context of healthy population screening.

Literature cited by the submitters: PubMed 39505524.

NM_000019.4(ACAT1):c.508T>C (p.Tyr170His)

Gene: ACAT1 (acetyl-CoA acetyltransferase 1; plus strand). Cytogenetic location: 11q22.3.
Variant type: single nucleotide variant.
Coding change: c.508T>C on transcript NM_000019.4 (MANE Select); coding-DNA position 508, T replaced by C.
Protein change: p.Tyr170His; replaces tyrosine 170 with histidine.
Molecular consequence: missense variant. On other transcripts: non-coding transcript variant (2).
Genome position (GRCh38, 1-based): chr11:108,138,970, T>C. VCF-style: chr11-108138970-T-C. GRCh37 (hg19) VCF-style: chr11-108009697-T-C.
Other names: c.508T>C, p.Tyr170His (NM_001386677.1); c.193T>C, p.Tyr65His (NM_001386678.1); c.211T>C, p.Tyr71His (NM_001386679.1); c.238T>C, p.Tyr80His (NM_001386681.1, NM_001386682.1, NM_001386685.1 and 6 more transcripts); short protein forms Y65H, Y71H, Y80H, Y170H.
Identifiers: ClinVar variation 5004522 (VCV005004522.1).